The following is an entry in ClinVar:

NM_033641.4(COL4A6):c.4073C>T (p.Ser1358Phe)

Gene: COL4A6 (collagen type IV alpha 6 chain; minus strand). Cytogenetic location: Xq22.3.
Variant type: single nucleotide variant.
Coding change: c.4073C>T on transcript NM_033641.4 (MANE Select); coding-DNA position 4073, C replaced by T.
Protein change: p.Ser1358Phe; replaces serine 1358 with phenylalanine.
Molecular consequence: missense variant.
Genome position (GRCh38, 1-based): chrX:108,163,035, G>A on the plus strand (C>T on the coding strand, the complement: COL4A6 is on the minus strand). VCF-style: chrX-108163035-G-A. GRCh37 (hg19) VCF-style: chrX-107406265-G-A.
Other names: c.4124C>T, p.Ser1375Phe (NM_001287758.2); c.4001C>T, p.Ser1334Phe (NM_001287759.2); c.3902C>T, p.Ser1301Phe (NM_001287760.2); c.4076C>T, p.Ser1359Phe (NM_001847.4); c.4076C>T (NM_001847.2); short protein forms S1301F, S1334F, S1358F, S1359F, S1375F.
Identifiers: ClinVar variation 1316821 (VCV001316821.7), dbSNP rs202146097, ClinGen allele CA10487258.

ClinVar aggregate classification (germline): Conflicting classifications of pathogenicity. Review status: criteria provided, conflicting classifications (1 of 4 stars). 3 submissions from 3 submitters: Uncertain significance (1); Likely benign (2). Last evaluated 2025-10-19.

Allele frequency attached by ClinVar (database versions not stated): 1000 Genomes Project 0.00026; TOPMed 0.00003; gnomAD 0.00003 and 0.00004; ESP Exome Variant Server 0.00009; ExAC 0.00002; gnomAD exomes 0.00004 and 0.00013; 1000 Genomes Project 30x 0.00021.

Submissions (3):

Labcorp Genetics (formerly Invitae), Labcorp
Classification: Uncertain significance. Last evaluated: 2025-10-19. Review status: criteria provided, single submitter. Criteria: Invitae Variant Classification Sherloc (09022015). Collection method: clinical testing. Allele origin: germline.
Comment: This sequence change replaces serine, which is neutral and polar, with phenylalanine, which is neutral and non-polar, at codon 1359 of the COL4A6 protein (p.Ser1359Phe). This variant is present in population databases (rs202146097, gnomAD 0.009%). This variant has not been reported in the literature in individuals affected with COL4A6-related conditions. ClinVar contains an entry for this variant (Variation ID: 1316821). Invitae Evidence Modeling of protein sequence and biophysical properties (such as structural, functional, and spatial information, amino acid conservation, physicochemical variation, residue mobility, and thermodynamic stability) indicates that this missense variant is not expected to disrupt COL4A6 protein function with a negative predictive value of 80%. In summary, the available evidence is currently insufficient to determine the role of this variant in disease. Therefore, it has been classified as a Variant of Uncertain Significance.

Ambry Genetics
Classification: Likely benign. Last evaluated: 2022-05-11. Review status: criteria provided, single submitter. Criteria: Ambry Variant Classification Scheme 2023. Collection method: clinical testing. Allele origin: germline.

GeneDx
Classification: Likely benign. Last evaluated: 2019-10-21. Review status: criteria provided, single submitter. Criteria: GeneDx Variant Classification Process June 2021. Collection method: clinical testing. Allele origin: germline. Affected: yes.